The following is an entry in ClinVar:

ClinVar aggregate classification (germline): Likely benign. Review status: criteria provided, multiple submitters, no conflicts (2 of 4 stars). 3 submissions from 3 submitters: Likely benign (3). Last evaluated 2025-06-02.

Conditions:
Primary pulmonary hypertension. Also called: Idiopathic pulmonary hypertension. Identifiers: MedGen C0152171.
Pulmonary venoocclusive disease 1 (PVOD1). Also called: Pulmonary venoocclusive disease 1, autosomal dominant. Identifiers: Orphanet 31837, MedGen C3887658, MONDO:0020713, OMIM 265450.
Pulmonary hypertension, primary, 1 (PPH1). Also called: Pulmonary hypertension, familial primary, 1, with or without HHT. Identifiers: Orphanet 422, MedGen C4552070, MONDO:0024533, OMIM 178600.

Allele frequency attached by ClinVar (database versions not stated): TOPMed 0.00002; gnomAD 0.00003 and 0.00004; 1000 Genomes Project 0.00020; 1000 Genomes Project 30x 0.00031.
gnomAD v4.1: 40 of 1,614,212 alleles (0.0025%); highest among the groups gnomAD compares: South Asian, 0.0022%; no homozygotes.

Submissions (3):

Labcorp Genetics (formerly Invitae), Labcorp
Classification: Likely benign for Primary pulmonary hypertension. Last evaluated: 2025-06-02. Review status: criteria provided, single submitter. Criteria: Invitae Variant Classification Sherloc (09022015). Collection method: clinical testing. Allele origin: germline.

Johns Hopkins Genomics, Johns Hopkins University
Classification: Likely benign for Pulmonary venoocclusive disease 1. Last evaluated: 2022-03-19. Review status: criteria provided, single submitter. Criteria: ACMG Guidelines, 2015. Collection method: clinical testing. Allele origin: germline.

Illumina Laboratory Services, Illumina
Classification: Likely benign for Pulmonary hypertension, primary, 1. Last evaluated: 2018-01-12. Review status: criteria provided, single submitter. Criteria: ICSL Variant Classification Criteria 13 December 2019. Collection method: clinical testing. Allele origin: germline.
Comment: This variant was observed in the ICSL laboratory as part of a predisposition screen in an ostensibly healthy population. It had not been previously curated by ICSL or reported in the Human Gene Mutation Database (HGMD: prior to June 1st, 2018), and was therefore a candidate for classification through an automated scoring system. Utilizing variant allele frequency, disease prevalence and penetrance estimates, and inheritance mode, an automated score was calculated to assess if this variant is too frequent to cause the disease. Based on the score and internal cut-off values, a variant classified as likely benign is not then subjected to further curation. The score for this variant resulted in a classification of likely benign for this disease.

Literature cited by the submitters: PubMed 28507310 (cited by Johns Hopkins Genomics, Johns Hopkins University).

NM_001204.7(BMPR2):c.2801G>C (p.Arg934Thr)

Gene: BMPR2 (bone morphogenetic protein receptor type 2; plus strand). Cytogenetic location: 2q33.2.
Variant type: single nucleotide variant.
Coding change: c.2801G>C on transcript NM_001204.7 (MANE Select); coding-DNA position 2801, G replaced by C.
Protein change: p.Arg934Thr; replaces arginine 934 with threonine.
Molecular consequence: missense variant.
Genome position (GRCh38, 1-based): chr2:202,556,466, G>C. VCF-style: chr2-202556466-G-C. GRCh37 (hg19) VCF-style: chr2-203421189-G-C.
Other names: c.2801G>C (LRG_712t1); short protein forms R934T.
Identifiers: ClinVar variation 333650 (VCV000333650.7), dbSNP rs575479720, ClinGen allele CA2061589.